The following is an entry in ClinVar:

NM_004380.3(CREBBP):c.6600GCAGCAGCAACA[3] (p.Gln2216_Gly2217insGlnGlnGlnGln)

Gene: CREBBP (CREB binding lysine acetyltransferase; minus strand). Cytogenetic location: 16p13.3.
Variant type: Microsatellite.
Coding change: c.6600GCAGCAGCAACA[3] on transcript NM_004380.3 (MANE Select); three copies in a row of the 12-base unit GCAGCAGCAACA starting at c.6600; the reference has two copies in a row; one copy, 12 bases duplicated.
Protein change: p.Gln2216_Gly2217insGlnGlnGlnGln.
Molecular consequence: inframe insertion.
Genome position (GRCh38, 1-based): chr16:3,728,424-3,728,435, TGTTGCTGCTGC duplicated on the plus strand (GCAGCAGCAACA on the coding strand, the reverse complement: CREBBP is on the minus strand); duplicating any 12 consecutive bases within chr16:3,728,424-3,728,449 gives the same sequence; the position shown is the placement nearest the transcript's 3' end. VCF-style (leftmost placement, unchanged base first): chr16-3728423-T-TTGTTGCTGCTGC. GRCh37 (hg19) VCF-style: chr16-3778424-T-TTGTTGCTGCTGC.
Other names: c.6486GCAGCAGCAACA[3], p.Gln2178_Gly2179insGlnGlnGlnGln (NM_001079846.1).
Identifiers: ClinVar variation 3353144 (VCV003353144.4).

ClinVar aggregate classification (germline): Uncertain significance. Review status: criteria provided, multiple submitters, no conflicts (2 of 4 stars). 2 submissions from 2 submitters: Uncertain significance (2). Last evaluated 2026-06-03.

Conditions:
CREBBP-related disorder. Also called: CREBBP-related disorders; CREBBP-related condition.
Rubinstein-Taybi syndrome (RSTS). Identifiers: Orphanet 783, MedGen C0035934, MONDO:0019188.

Submissions (2):

PreventionGenetics, part of Exact Sciences
Classification: Uncertain significance for CREBBP-related condition. Last evaluated: 2026-06-03. Review status: criteria provided, single submitter. Criteria: ACMG Guidelines, 2015. Collection method: clinical testing. Allele origin: germline.
Comment: The CREBBP c.6612_6623dup12 variant is predicted to result in an in-frame duplication (p.Gln2213_Gln2216dup). To our knowledge, this variant has not been reported in the literature. This variant is reported in 0.071% of alleles in individuals of East Asian descent in gnomAD. Although we suspect that this variant may be benign, at this time, the clinical significance of this variant is uncertain due to the absence of conclusive functional and genetic evidence.

Labcorp Genetics (formerly Invitae), Labcorp
Classification: Uncertain significance for Rubinstein-Taybi syndrome. Last evaluated: 2024-10-31. Review status: criteria provided, single submitter. Criteria: Invitae Variant Classification Sherloc (09022015). Collection method: clinical testing. Allele origin: germline.
Comment: This variant, c.6612_6623dup, results in the insertion of 4 amino acid(s) of the CREBBP protein (p.Gln2213_Gln2216dup), but otherwise preserves the integrity of the reading frame. The frequency data for this variant in the population databases is considered unreliable, as metrics indicate poor data quality at this position in the gnomAD database. This variant has not been reported in the literature in individuals affected with CREBBP-related conditions. In summary, the available evidence is currently insufficient to determine the role of this variant in disease. Therefore, it has been classified as a Variant of Uncertain Significance.